The following is an entry in ClinVar:

NM_012092.4(ICOS):c.106G>A (p.Gly36Arg)

Gene: ICOS (inducible T cell costimulator; plus strand). Cytogenetic location: 2q33.2.
Variant type: single nucleotide variant.
Coding change: c.106G>A on transcript NM_012092.4 (MANE Select); coding-DNA position 106, G replaced by A.
Protein change: p.Gly36Arg; replaces glycine 36 with arginine.
Molecular consequence: missense variant.
Genome position (GRCh38, 1-based): chr2:203,955,683, G>A. VCF-style: chr2-203955683-G-A. GRCh37 (hg19) VCF-style: chr2-204820406-G-A.
Other names: short protein forms G36R.
Identifiers: ClinVar variation 858766 (VCV000858766.41), dbSNP rs202109644, ClinGen allele CA2067224.
Genomic context (GRCh38, chr2:203,955,683, plus strand): 5'-TCTTTTTATGCAGGAGAAATCAATGGTTCTGCCAATTATGAGATGTTTATATTTCACAAC[G>A]GAGGTGTACAAATTTTATGCAAATATCCTGACATTGTCCAGCAATTTAAAATGCAGTTGC-3'
Protein context (NP_036224.1, residues 26-46): ANYEMFIFHN[Gly36Arg]GVQILCKYPD

ClinVar aggregate classification (germline): Uncertain significance. Review status: criteria provided, multiple submitters, no conflicts (2 of 4 stars). 4 submissions from 4 submitters: Uncertain significance (4). Last evaluated 2026-01-16.

Conditions:
Immunodeficiency, common variable, 1. Also called: ANTIBODY DEFICIENCY DUE TO ICOS DEFECT. Identifiers: Orphanet 1572, Orphanet 695183, MedGen C3149378, MONDO:0011864, OMIM 607594.

Allele frequency attached by ClinVar (database versions not stated): TOPMed 0.00005; gnomAD 0.00008 and 0.00009; gnomAD exomes 0.00008 and 0.00014; ESP Exome Variant Server 0.00015; ExAC 0.00016.

Submissions (4):

GeneDx
Classification: Uncertain significance. Last evaluated: 2026-01-16. Review status: criteria provided, single submitter. Criteria: GeneDx Variant Classification Process June 2021. Collection method: clinical testing. Allele origin: germline.
Comment: Reported in the heterozygous state in an individual with common variable immunodeficiency in published literature; however, a second variant in ICOS was not reported (PMID: 35570134); In silico analysis supports that this missense variant has a deleterious effect on protein structure/function; This variant is associated with the following publications: (PMID: 28719003, 35570134)

Blueprint Genetics
Classification: Uncertain significance. Last evaluated: 2024-09-23. Review status: criteria provided, single submitter. Criteria: ACMG Guidelines, 2015. Collection method: clinical testing. Allele origin: germline.

Labcorp Genetics (formerly Invitae), Labcorp
Classification: Uncertain significance for Immunodeficiency, common variable, 1. Last evaluated: 2022-07-06. Review status: criteria provided, single submitter. Criteria: Invitae Variant Classification Sherloc (09022015). Collection method: clinical testing. Allele origin: germline.
Comment: This sequence change replaces glycine, which is neutral and non-polar, with arginine, which is basic and polar, at codon 36 of the ICOS protein (p.Gly36Arg). This variant is present in population databases (rs202109644, gnomAD 0.1%). This variant has not been reported in the literature in individuals affected with ICOS-related conditions. ClinVar contains an entry for this variant (Variation ID: 858766). Algorithms developed to predict the effect of missense changes on protein structure and function (SIFT, PolyPhen-2, Align-GVGD) all suggest that this variant is likely to be disruptive. Algorithms developed to predict the effect of sequence changes on RNA splicing suggest that this variant may create or strengthen a splice site. In summary, the available evidence is currently insufficient to determine the role of this variant in disease. Therefore, it has been classified as a Variant of Uncertain Significance.

CeGaT Center for Human Genetics Tuebingen
Classification: Uncertain significance. Last evaluated: 2021-12-01. Review status: criteria provided, single submitter. Criteria: CeGaT Center For Human Genetics Tuebingen Variant Classification Criteria Version 2. Collection method: clinical testing. Allele origin: germline. Affected: yes. Observed: 1 variant allele.